The following is an entry in ClinVar:

NM_001347721.2(DYRK1A):c.1230A>G (p.Gly410=)

Gene: DYRK1A (dual specificity tyrosine phosphorylation regulated kinase 1A; plus strand). Cytogenetic location: 21q22.13.
Variant type: single nucleotide variant.
Coding change: c.1230A>G on transcript NM_001347721.2 (MANE Select); coding-DNA position 1230, A replaced by G.
Protein change: p.Gly410=; no amino-acid change (glycine 410 retained).
Molecular consequence: synonymous variant.
Genome position (GRCh38, 1-based): chr21:37,505,300, A>G. VCF-style: chr21-37505300-A-G. GRCh37 (hg19) VCF-style: chr21-38877603-A-G.
Other names: c.1230A>G, p.Gly410= (NM_001347722.2, NM_130436.2); c.1143A>G, p.Gly381= (NM_001347723.2); c.1257A>G, p.Gly419= (NM_001396.5, NM_101395.2, NM_130438.2).
Identifiers: ClinVar variation 1723763 (VCV001723763.2), dbSNP rs770476257, ClinGen allele CA10023953.

ClinVar aggregate classification (germline): Uncertain significance (1 of 4 stars; one submission).

Allele frequency attached by ClinVar (database versions not stated): ExAC 0.00001.

Submission:

GeneDx
Classification: Uncertain significance. Last evaluated: 2022-05-10. Review status: criteria provided, single submitter. Criteria: GeneDx Variant Classification Process June 2021. Collection method: clinical testing. Allele origin: germline. Affected: yes.
Comment: In silico analysis supports that this variant does not alter splicing; Has not been previously published as pathogenic or benign to our knowledge